The following is an entry in ClinVar:

NM_020937.4(FANCM):c.3896A>G (p.Asn1299Ser)

Gene: FANCM (FA complementation group M; plus strand). Cytogenetic location: 14q21.2.
Variant type: single nucleotide variant.
Coding change: c.3896A>G on transcript NM_020937.4 (MANE Select); coding-DNA position 3896, A replaced by G.
Protein change: p.Asn1299Ser; replaces asparagine 1299 with serine.
Molecular consequence: missense variant.
Genome position (GRCh38, 1-based): chr14:45,176,650, A>G. VCF-style: chr14-45176650-A-G. GRCh37 (hg19) VCF-style: chr14-45645853-A-G.
Other names: c.3818A>G, p.Asn1273Ser (NM_001308133.2); short protein forms N1273S, N1299S.
Identifiers: ClinVar variation 2580067 (VCV002580067.2), dbSNP rs761637559, ClinGen allele CA7169594.

ClinVar aggregate classification (germline): Conflicting classifications of pathogenicity. Review status: criteria provided, conflicting classifications (1 of 4 stars). 2 submissions from 2 submitters: Uncertain significance (1); Likely benign (1). Last evaluated 2025-08-31.

Conditions:
Inborn genetic diseases. Identifiers: MedGen C0950123, MeSH D030342.

gnomAD v4.1: 1 of 1,613,732 alleles (0.000062%); highest among the groups gnomAD compares: East Asian, 0.0022%; no homozygotes.

Submissions (2):

Ambry Genetics
Classification: Likely benign for Inborn genetic diseases. Last evaluated: 2025-08-31. Review status: criteria provided, single submitter. Criteria: Ambry Variant Classification Scheme 2023. Collection method: clinical testing. Allele origin: germline.

GeneDx
Classification: Uncertain significance. Last evaluated: 2023-03-15. Review status: criteria provided, single submitter. Criteria: GeneDx Variant Classification Process June 2021. Collection method: clinical testing. Allele origin: germline. Affected: yes.
Comment: Not observed at significant frequency in large population cohorts (gnomAD); In silico analysis supports that this missense variant does not alter protein structure/function; Has not been previously published as pathogenic or benign to our knowledge